The following is an entry in ClinVar:

ClinVar aggregate classification (germline): Uncertain significance (1 of 4 stars; one submission).

Conditions:
Oto-palato-digital syndrome, type II (OPD2). Also called: FACIOPALATOOSSEOUS SYNDROME; OPD II SYNDROME; Otopalatodigital Syndrome, Type II; Otopalatodigital Syndrome Type 2 (FLNA-OPD2). Identifiers: Orphanet 669, Orphanet 90652, MedGen C1844696, MONDO:0010571, OMIM 304120.
Heterotopia, periventricular, X-linked dominant (PVNH1). Also called: PERIVENTRICULAR NODULAR HETEROTOPIA 4; HETEROTOPIA, PERIVENTRICULAR, 1; PERIVENTRICULAR NODULAR HETEROTOPIA 1; X-linked periventricular heterotopia. Identifiers: Orphanet 2149, Orphanet 82004, MedGen C1848213, MONDO:0010233, OMIM 300049.
Melnick-Needles syndrome (MNS). Also called: MELNICK-NEEDLES OSTEODYSPLASTY; OSTEODYSPLASTY OF MELNICK AND NEEDLES; Melnick-Needles Syndrome (FLNA-MNS). Identifiers: Orphanet 2484, MedGen C0025237, MONDO:0010650, OMIM 309350.
Frontometaphyseal dysplasia (FMD1). Identifiers: Orphanet 1826, MedGen C0265293, MONDO:0015942.

Submission:

Labcorp Genetics (formerly Invitae), Labcorp
Classification: Uncertain significance for Oto-palato-digital syndrome, type II; Heterotopia, periventricular, X-linked dominant; Frontometaphyseal dysplasia; Melnick-Needles syndrome. Last evaluated: 2022-11-01. Review status: criteria provided, single submitter. Criteria: Invitae Variant Classification Sherloc (09022015). Collection method: clinical testing. Allele origin: germline.
Comment: This variant has not been reported in the literature in individuals affected with FLNA-related conditions. This variant is not present in population databases (gnomAD no frequency). This sequence change replaces proline, which is neutral and non-polar, with arginine, which is basic and polar, at codon 2511 of the FLNA protein (p.Pro2511Arg). ClinVar contains an entry for this variant (Variation ID: 1467131). In summary, the available evidence is currently insufficient to determine the role of this variant in disease. Therefore, it has been classified as a Variant of Uncertain Significance. Advanced modeling of protein sequence and biophysical properties (such as structural, functional, and spatial information, amino acid conservation, physicochemical variation, residue mobility, and thermodynamic stability) performed at Invitae indicates that this missense variant is not expected to disrupt FLNA protein function.

NM_001110556.2(FLNA):c.7556C>G (p.Pro2519Arg)

Genes: FLNA (filamin A; minus strand), LOC107988032 (Xq28 proximal FLNA-EMD recombination region; plus strand). Cytogenetic location: Xq28.
Variant type: single nucleotide variant.
Coding change: c.7556C>G on transcript NM_001110556.2 (MANE Select); coding-DNA position 7556, C replaced by G.
Protein change: p.Pro2519Arg; replaces proline 2519 with arginine.
Molecular consequence: missense variant.
Genome position (GRCh38, 1-based): chrX:154,349,562, G>C on the plus strand (C>G on the coding strand, the complement: FLNA is on the minus strand). VCF-style: chrX-154349562-G-C. GRCh37 (hg19) VCF-style: chrX-153577930-G-C.
Other names: c.7532C>G, p.Pro2511Arg (NM_001456.4); short protein forms P2511R, P2519R.
Identifiers: ClinVar variation 1467131 (VCV001467131.8), dbSNP rs2067602794, ClinGen allele CA415181172.